The following is an entry in ClinVar:

ClinVar aggregate classification (germline): Uncertain significance (1 of 4 stars; one submission).

Allele frequency attached by ClinVar (database versions not stated): ExAC 0.00001.
gnomAD v4.1: 59 of 1,613,838 alleles (0.0037%); highest among the groups gnomAD compares: African/African-American, 0.019%; no homozygotes.

Submission:

Labcorp Genetics (formerly Invitae), Labcorp
Classification: Uncertain significance. Last evaluated: 2023-05-23. Review status: criteria provided, single submitter. Criteria: Invitae Variant Classification Sherloc (09022015). Collection method: clinical testing. Allele origin: germline.
Comment: In summary, the available evidence is currently insufficient to determine the role of this variant in disease. Therefore, it has been classified as a Variant of Uncertain Significance. Advanced modeling of protein sequence and biophysical properties (such as structural, functional, and spatial information, amino acid conservation, physicochemical variation, residue mobility, and thermodynamic stability) performed at Invitae indicates that this missense variant is expected to disrupt FAT1 protein function. This variant has not been reported in the literature in individuals affected with FAT1-related conditions. This variant is present in population databases (rs755378789, gnomAD 0.009%). This sequence change replaces arginine, which is basic and polar, with histidine, which is basic and polar, at codon 2101 of the FAT1 protein (p.Arg2101His).

NM_005245.4(FAT1):c.6302G>A (p.Arg2101His)

Gene: FAT1 (FAT atypical cadherin 1; minus strand). Cytogenetic location: 4q35.2.
Variant type: single nucleotide variant.
Coding change: c.6302G>A on transcript NM_005245.4 (MANE Select); coding-DNA position 6302, G replaced by A.
Protein change: p.Arg2101His; replaces arginine 2101 with histidine.
Molecular consequence: missense variant.
Genome position (GRCh38, 1-based): chr4:186,620,284, C>T on the plus strand (G>A on the coding strand, the complement: FAT1 is on the minus strand). VCF-style: chr4-186620284-C-T. GRCh37 (hg19) VCF-style: chr4-187541438-C-T.
Other names: short protein forms R2101H.
Identifiers: ClinVar variation 2904418 (VCV002904418.3), dbSNP rs755378789, ClinGen allele CA3166276.